The following is an entry in ClinVar:

ClinVar aggregate classification (germline): Likely benign (0 of 4 stars; one submission).

Conditions:
MPST-related disorder. Also called: MPST-related condition.

Allele frequency attached by ClinVar (database versions not stated): 1000 Genomes Project 0.00120; 1000 Genomes Project 30x 0.00141; ExAC 0.00247; ESP Exome Variant Server 0.00255; gnomAD 0.00262; TOPMed 0.00274; gnomAD exomes 0.00441.
gnomAD v4.1: 6,472 of 1,544,770 alleles (0.42%); highest among the groups gnomAD compares: Non-Finnish European, 0.53%; 29 homozygotes.

Submission:

PreventionGenetics, part of Exact Sciences
Classification: Likely benign for MPST-related condition. Last evaluated: 2023-01-12. Review status: no assertion criteria provided. Collection method: clinical testing. Allele origin: germline.
Comment: This variant is classified as likely benign based on ACMG/AMP sequence variant interpretation guidelines (Richards et al. 2015 PMID: 25741868, with internal and published modifications).

NM_021126.8(MPST):c.227G>T (p.Gly76Val)

Gene: MPST (mercaptopyruvate sulfurtransferase; plus strand). Cytogenetic location: 22q12.3.
Variant type: single nucleotide variant.
Coding change: c.227G>T on transcript NM_021126.8 (MANE Select); coding-DNA position 227, G replaced by T.
Protein change: p.Gly76Val; replaces glycine 76 with valine.
Molecular consequence: missense variant.
Genome position (GRCh38, 1-based): chr22:37,024,382, G>T. VCF-style: chr22-37024382-G-T. GRCh37 (hg19) VCF-style: chr22-37420423-G-T.
Other names: c.167G>T, p.Gly56Val (NM_001013436.4, NM_001130517.4, NM_001369904.2); c.227G>T, p.Gly76Val (NM_001369905.2); short protein forms G56V, G76V.
Identifiers: ClinVar variation 3037468 (VCV003037468.2), dbSNP rs201058049, ClinGen allele CA10214716.